The following is an entry in ClinVar:

NM_018896.5(CACNA1G):c.6526C>T (p.Gln2176Ter)

Gene: CACNA1G (calcium voltage-gated channel subunit alpha1 G; plus strand). Cytogenetic location: 17q21.33.
Variant type: single nucleotide variant.
Coding change: c.6526C>T on transcript NM_018896.5 (MANE Select); coding-DNA position 6526, C replaced by T.
Protein change: p.Gln2176Ter; replaces glutamine 2176 with a stop codon.
Molecular consequence: nonsense. On other transcripts: non-coding transcript variant (5), intron variant (3).
Genome position (GRCh38, 1-based): chr17:50,626,143, C>T. VCF-style: chr17-50626143-C-T. GRCh37 (hg19) VCF-style: chr17-48703504-C-T.
Other names: c.6337C>T, p.Gln2113Ter (NM_001256324.2); c.6268C>T, p.Gln2090Ter (NM_001256325.2); c.6256C>T, p.Gln2086Ter (NM_001256326.2); c.6226C>T, p.Gln2076Ter (NM_001256327.2); c.6172C>T, p.Gln2058Ter (NM_001256328.2); c.6145C>T, p.Gln2049Ter (NM_001256329.2, NM_198387.3); c.6112C>T, p.Gln2038Ter (NM_001256330.2); c.6091C>T, p.Gln2031Ter (NM_001256331.2); and 18 more; short protein forms Q2026*, Q2031*, Q2038*, Q2042*, Q2045*, Q2047*, Q2049*, Q2056*.
Identifiers: ClinVar variation 3389955 (VCV003389955.14).

ClinVar aggregate classification (germline): Uncertain significance (1 of 4 stars; one submission).

Submission:

CeGaT Center for Human Genetics Tuebingen
Classification: Uncertain significance. Last evaluated: 2024-10-01. Review status: criteria provided, single submitter. Criteria: CeGaT Center For Human Genetics Tuebingen Variant Classification Criteria Version 2. Collection method: clinical testing. Allele origin: germline. Affected: yes. Observed: 2 variant alleles.
Comment: CACNA1G: PM2